The following is an entry in ClinVar:

ClinVar aggregate classification (germline): Uncertain significance. Review status: criteria provided, multiple submitters, no conflicts (2 of 4 stars). 3 submissions from 3 submitters: Uncertain significance (3). Last evaluated 2026-07-01.

Conditions:
Inborn genetic diseases. Identifiers: MedGen C0950123, MeSH D030342.

gnomAD v4.1: 5 of 1,208,886 alleles (0.00041%); highest among the groups gnomAD compares: South Asian, 0.0018%; no homozygotes.

Submissions (3):

CeGaT Center for Human Genetics Tuebingen
Classification: Uncertain significance. Last evaluated: 2026-07-01. Review status: criteria provided, single submitter. Criteria: CeGaT Center For Human Genetics Tuebingen Variant Classification Criteria Version 2. Collection method: clinical testing. Allele origin: germline. Affected: yes. Observed: 1 variant allele.

Ambry Genetics
Classification: Uncertain significance for Inborn genetic diseases. Last evaluated: 2024-11-08. Review status: criteria provided, single submitter. Criteria: Ambry Variant Classification Scheme 2023. Collection method: clinical testing. Allele origin: germline.

Labcorp Genetics (formerly Invitae), Labcorp
Classification: Uncertain significance. Last evaluated: 2024-05-18. Review status: criteria provided, single submitter. Criteria: Invitae Variant Classification Sherloc (09022015). Collection method: clinical testing. Allele origin: germline.
Comment: This sequence change replaces proline, which is neutral and non-polar, with serine, which is neutral and polar, at codon 1105 of the USP9X protein (p.Pro1105Ser). This variant is present in population databases (no rsID available, gnomAD 0.005%). This variant has not been reported in the literature in individuals affected with USP9X-related conditions. An algorithm developed to predict the effect of missense changes on protein structure and function (PolyPhen-2) suggests that this variant is likely to be tolerated. In summary, the available evidence is currently insufficient to determine the role of this variant in disease. Therefore, it has been classified as a Variant of Uncertain Significance.

NM_001039591.3(USP9X):c.3313C>T (p.Pro1105Ser)

Gene: USP9X (ubiquitin specific peptidase 9 X-linked; plus strand). Cytogenetic location: Xp11.4.
Variant type: single nucleotide variant.
Coding change: c.3313C>T on transcript NM_001039591.3 (MANE Select); coding-DNA position 3313, C replaced by T.
Protein change: p.Pro1105Ser; replaces proline 1105 with serine.
Molecular consequence: missense variant.
Genome position (GRCh38, 1-based): chrX:41,184,430, C>T. VCF-style: chrX-41184430-C-T. GRCh37 (hg19) VCF-style: chrX-41043683-C-T.
Other names: c.3313C>T, p.Pro1105Ser (NM_001039590.3); c.3328C>T, p.Pro1110Ser (NM_001410748.1, NM_001410749.1); short protein forms P1110S, P1105S.
Identifiers: ClinVar variation 3467332 (VCV003467332.4).